The following is an entry in ClinVar:

ClinVar aggregate classification (germline): Uncertain significance (1 of 4 stars; one submission).

Conditions:
Joubert syndrome 14 (JBTS14). Identifiers: MedGen C3280766, MONDO:0013745, OMIM 614424.

Allele frequency attached by ClinVar (database versions not stated): gnomAD exomes below 0.00001; gnomAD 0.00001; ExAC 0.00002.
gnomAD v4.1: 2 of 1,582,158 alleles (0.00013%); highest among the groups gnomAD compares: Non-Finnish European, 0.00017%; no homozygotes.

Submission:

Labcorp Genetics (formerly Invitae), Labcorp
Classification: Uncertain significance for Joubert syndrome 14. Last evaluated: 2022-03-13. Review status: criteria provided, single submitter. Criteria: Invitae Variant Classification Sherloc (09022015). Collection method: clinical testing. Allele origin: germline.
Comment: In summary, the available evidence is currently insufficient to determine the role of this variant in disease. Therefore, it has been classified as a Variant of Uncertain Significance. Algorithms developed to predict the effect of missense changes on protein structure and function (SIFT, PolyPhen-2, Align-GVGD) all suggest that this variant is likely to be tolerated. This variant has not been reported in the literature in individuals affected with TMEM237-related conditions. This variant is present in population databases (rs764450175, gnomAD 0.001%). This sequence change replaces leucine, which is neutral and non-polar, with valine, which is neutral and non-polar, at codon 107 of the TMEM237 protein (p.Leu107Val).

NM_001044385.3(TMEM237):c.319T>G (p.Leu107Val)

Gene: TMEM237 (transmembrane protein 237; minus strand). Cytogenetic location: 2q33.1.
Variant type: single nucleotide variant.
Coding change: c.319T>G on transcript NM_001044385.3 (MANE Select); coding-DNA position 319, T replaced by G.
Protein change: p.Leu107Val; replaces leucine 107 with valine.
Molecular consequence: missense variant.
Genome position (GRCh38, 1-based): chr2:201,633,387, A>C on the plus strand (T>G on the coding strand, the complement: TMEM237 is on the minus strand). VCF-style: chr2-201633387-A-C. GRCh37 (hg19) VCF-style: chr2-202498110-A-C.
Other names: c.295T>G, p.Leu99Val (NM_152388.4); short protein forms L107V, L99V.
Identifiers: ClinVar variation 2111125 (VCV002111125.4), dbSNP rs764450175, ClinGen allele CA2056518.
Genomic context (GRCh38, chr2:201,633,387, plus strand): 5'-GTTTTTGAATAACTGCCTCCTCAGCTGGCTCCGCATCAATACCATTTTCATTTCGTAATA[A>C]AGATGAACTAGATGACTTCTTTTGGGTGGAGGAAGTCTCCAATTCTGAAAACAAAATAAA-3'
Protein context (NP_001037850.1, residues 97-117): STQKKSSSSS[Leu107Val]LRNENGIDAE